The following is an entry in ClinVar:

ClinVar aggregate classification (germline): Uncertain significance (1 of 4 stars; one submission).

Submission:

Labcorp Genetics (formerly Invitae), Labcorp
Classification: Uncertain significance. Last evaluated: 2025-10-15. Review status: criteria provided, single submitter. Criteria: Invitae Variant Classification Sherloc (09022015). Collection method: clinical testing. Allele origin: germline.
Comment: This sequence change replaces asparagine, which is neutral and polar, with tyrosine, which is neutral and polar, at codon 463 of the TULP1 protein (p.Asn463Tyr). This variant is not present in population databases (gnomAD no frequency). This variant has not been reported in the literature in individuals affected with TULP1-related conditions. ClinVar contains an entry for this variant (Variation ID: 1382789). Invitae Evidence Modeling of protein sequence and biophysical properties (such as structural, functional, and spatial information, amino acid conservation, physicochemical variation, residue mobility, and thermodynamic stability) indicates that this missense variant is expected to disrupt TULP1 protein function with a positive predictive value of 95%. In summary, the available evidence is currently insufficient to determine the role of this variant in disease. Therefore, it has been classified as a Variant of Uncertain Significance.

NM_003322.6(TULP1):c.1387A>T (p.Asn463Tyr)

Gene: TULP1 (TUB like protein 1; minus strand). Cytogenetic location: 6p21.31.
Variant type: single nucleotide variant.
Coding change: c.1387A>T on transcript NM_003322.6 (MANE Select); coding-DNA position 1387, A replaced by T.
Protein change: p.Asn463Tyr; replaces asparagine 463 with tyrosine.
Molecular consequence: missense variant.
Genome position (GRCh38, 1-based): chr6:35,500,089, T>A on the plus strand (A>T on the coding strand, the complement: TULP1 is on the minus strand). VCF-style: chr6-35500089-T-A. GRCh37 (hg19) VCF-style: chr6-35467866-T-A.
Other names: c.1228A>T, p.Asn410Tyr (NM_001289395.2); short protein forms N463Y, N410Y.
Identifiers: ClinVar variation 1382789 (VCV001382789.6), dbSNP rs1768801536, ClinGen allele CA363778850.